The following is an entry in ClinVar:

NM_007294.4(BRCA1):c.701C>T (p.Thr234Ile)

Gene: BRCA1 (BRCA1 DNA repair associated; minus strand). Cytogenetic location: 17q21.31.
Variant type: single nucleotide variant.
Coding change: c.701C>T on transcript NM_007294.4 (MANE Select); coding-DNA position 701, C replaced by T.
Protein change: p.Thr234Ile; replaces threonine 234 with isoleucine.
Molecular consequence: missense variant. On other transcripts: non-coding transcript variant (1).
Genome position (GRCh38, 1-based): chr17:43,094,830, G>A on the plus strand (C>T on the coding strand, the complement: BRCA1 is on the minus strand). VCF-style: chr17-43094830-G-A. GRCh37 (hg19) VCF-style: chr17-41246847-G-A.
Other names: c.491C>T, p.Thr164Ile (NM_001407904.1, NM_001407906.1, NM_001407907.1 and 25 more transcripts); c.560C>T, p.Thr187Ile (NM_001407750.1, NM_001407751.1, NM_001407752.1 and 43 more transcripts); c.557C>T, p.Thr186Ile (NM_001407838.1, NM_001407839.1, NM_001407841.1 and 26 more transcripts); c.488C>T, p.Thr163Ile (NM_001407915.1, NM_001407916.1, NM_001407917.1 and 12 more transcripts); c.578C>T, p.Thr193Ile (NM_001407919.1, NM_001407863.1, NM_001407937.1 and 34 more transcripts); c.437C>T, p.Thr146Ile (NM_001407920.1, NM_001407921.1, NM_001407922.1 and 15 more transcripts); c.701C>T, p.Thr234Ile (NM_001407854.1, NM_001407858.1, NM_001407859.1 and 54 more transcripts); c.698C>T, p.Thr233Ile (NM_001407860.1, NM_001407861.1, NM_001408401.1 and 38 more transcripts); and 14 more; short protein forms T234I, T187I, T123I, T164I, T186I, T207I, T208I, T106I.
Identifiers: ClinVar variation 489736 (VCV000489736.23), dbSNP rs1555593290, ClinGen allele CA10600684.

ClinVar aggregate classification (germline): Conflicting classifications of pathogenicity. Review status: criteria provided, conflicting classifications (1 of 4 stars). 5 submissions from 5 submitters: Uncertain significance (4); Likely benign (1). Last evaluated 2026-08-14.

Conditions:
Hereditary cancer-predisposing syndrome. Also called: Neoplastic Syndromes, Hereditary; Hereditary neoplastic syndrome; Hereditary Cancer Syndrome; Tumor predisposition. Identifiers: Orphanet 140162, MedGen C0027672, MeSH D009386, MONDO:0015356.
Hereditary breast ovarian cancer syndrome. Also called: Hereditary breast and/or ovarian cancer syndrome; BRCA1- and BRCA2-Associated Hereditary Breast and Ovarian Cancer; Hereditary breast and ovarian cancer syndrome; Breast and ovarian cancer; Hereditary breast and ovarian cancer; Hereditary breast and ovarian cancer syndrome (HBOC). Identifiers: Orphanet 145, MedGen C0677776, MeSH D061325, MONDO:0003582. Disease mechanism: loss of function.

Submissions (5):

Ambry Genetics
Classification: Uncertain significance for Hereditary cancer-predisposing syndrome. Last evaluated: 2026-08-14. Review status: criteria provided, single submitter. Criteria: Ambry Variant Classification Scheme 2023. Collection method: clinical testing. Allele origin: germline.
Comment: The p.T234I variant (also known as c.701C>T), located in coding exon 9 of the BRCA1 gene, results from a C to T substitution at nucleotide position 701. The threonine at codon 234 is replaced by isoleucine, an amino acid with similar properties. This amino acid position is not well conserved in available vertebrate species. In addition, this alteration is predicted to be deleterious by in silico analysis. Since supporting evidence is limited at this time, the clinical significance of this alteration remains unclear.

Labcorp Genetics (formerly Invitae), Labcorp
Classification: Uncertain significance for Hereditary breast ovarian cancer syndrome. Last evaluated: 2025-01-06. Review status: criteria provided, single submitter. Criteria: Invitae Variant Classification Sherloc (09022015). Collection method: clinical testing. Allele origin: germline.
Comment: This sequence change replaces threonine, which is neutral and polar, with isoleucine, which is neutral and non-polar, at codon 234 of the BRCA1 protein (p.Thr234Ile). This variant is not present in population databases (gnomAD no frequency). This variant has not been reported in the literature in individuals affected with BRCA1-related conditions. ClinVar contains an entry for this variant (Variation ID: 489736). Invitae Evidence Modeling of protein sequence and biophysical properties (such as structural, functional, and spatial information, amino acid conservation, physicochemical variation, residue mobility, and thermodynamic stability) has been performed for this missense variant. However, the output from this modeling did not meet the statistical confidence thresholds required to predict the impact of this variant on BRCA1 protein function. In summary, the available evidence is currently insufficient to determine the role of this variant in disease. Therefore, it has been classified as a Variant of Uncertain Significance.

Color Diagnostics, LLC DBA Color Health
Classification: Uncertain significance for Hereditary cancer-predisposing syndrome. Last evaluated: 2024-06-17. Review status: criteria provided, single submitter. Criteria: ACMG Guidelines, 2015. Collection method: clinical testing. Allele origin: germline.
Comment: This missense variant replaces threonine with isoleucine at codon 234 of the BRCA1 protein. Computational prediction is inconclusive regarding the impact of this variant on protein structure and function. To our knowledge, functional studies have not been reported for this variant. This variant has not been reported in individuals affected with hereditary cancer in the literature. This variant has not been identified in the general population by the Genome Aggregation Database (gnomAD). The available evidence is insufficient to determine the role of this variant in disease conclusively. Therefore, this variant is classified as a Variant of Uncertain Significance.

University of Washington Department of Laboratory Medicine, University of Washington
Classification: Likely benign for Hereditary cancer-predisposing syndrome. Last evaluated: 2023-03-23. Review status: criteria provided, single submitter. Criteria: Dines et al. (Genet Med. 2020). Collection method: curation. Allele origin: germline.
Comment: Missense variant in a coldspot region where missense variants are very unlikely to be pathogenic (PMID:31911673).

BRCA1 coldspot (exon 11 using historical exon numbering). Reclassification based on statistical prior probability

Sema4
Classification: Uncertain significance for Hereditary cancer-predisposing syndrome. Last evaluated: 2021-09-15. Review status: criteria provided, single submitter. Criteria: Sema4 Curation Guidelines. Collection method: curation. Allele origin: germline.
Comment: The BRCA1 c.701C>T (p.T234I) variant has not been reported in the literature to our knowledge. This variant is not reported in the population database Genome Aggregation Database (PMID: 32461654). The variant has been reported in ClinVar (Variation ID 489736). Functional studies have not been performed, and in silico predictions of the variant's effect on protein function are inconclusive. The evidence is insufficient to meet ACMG/AMP criteria for classifying the variant as benign or pathogenic. Thus, the clinical significance of this variant is currently uncertain.